The following is an entry in ClinVar:

NM_001042492.3(NF1):c.5945C>A (p.Thr1982Asn)

Gene: NF1 (neurofibromin 1; plus strand). Cytogenetic location: 17q11.2.
Variant type: single nucleotide variant.
Coding change: c.5945C>A on transcript NM_001042492.3 (MANE Select); coding-DNA position 5945, C replaced by A.
Protein change: p.Thr1982Asn; replaces threonine 1982 with asparagine.
Molecular consequence: missense variant.
Genome position (GRCh38, 1-based): chr17:31,334,970, C>A. VCF-style: chr17-31334970-C-A. GRCh37 (hg19) VCF-style: chr17-29661988-C-A.
Other names: c.5882C>A, p.Thr1961Asn (NM_000267.4); short protein forms T1961N, T1982N.
Identifiers: ClinVar variation 1515415 (VCV001515415.7), dbSNP rs1336219677, ClinGen allele CA399010841.

ClinVar aggregate classification (germline): Uncertain significance. Review status: criteria provided, multiple submitters, no conflicts (2 of 4 stars). 2 submissions from 2 submitters: Uncertain significance (2). Last evaluated 2025-10-29.

Conditions:
Neurofibromatosis, type 1 (NF1). Also called: Neurofibromatosis, type I; Peripheral type neurofibromatosis; VON RECKLINGHAUSEN DISEASE; NEUROFIBROMATOSIS, TYPE I, SOMATIC. Identifiers: Orphanet 636, MedGen C0027831, MONDO:0018975, OMIM 162200. Disease mechanism: loss of function.
Neurofibromatosis, familial spinal (FSNF). Identifiers: Orphanet 636, MedGen C1834235, MONDO:0008078, OMIM 162210. Disease mechanism: loss of function.
Juvenile myelomonocytic leukemia (JMML). Also called: LEUKEMIA, JUVENILE MYELOMONOCYTIC, SOMATIC. Identifiers: Orphanet 86834, MedGen C0349639, MONDO:0011908, OMIM 607785, HP:0012209.
Café-au-lait macules with pulmonary stenosis (WTSN). Also called: PULMONIC STENOSIS WITH CAFE-AU-LAIT SPOTS. Identifiers: MedGen C0553586, MONDO:0008672, OMIM 193520.
Neurofibromatosis-Noonan syndrome (NFNS). Also called: NEUROFIBROMATOSIS WITH NOONAN PHENOTYPE. Identifiers: Orphanet 638, MedGen C2931482, MONDO:0011035, OMIM 601321. Disease mechanism: loss of function.

Allele frequency attached by ClinVar (database versions not stated): gnomAD exomes below 0.00001.
gnomAD v4.1: 2 of 1,612,864 alleles (0.00012%); highest among the groups gnomAD compares: Non-Finnish European, 0.00017%; no homozygotes.

Submissions (2):

Labcorp Genetics (formerly Invitae), Labcorp
Classification: Uncertain significance for Neurofibromatosis, type 1. Last evaluated: 2025-10-29. Review status: criteria provided, single submitter. Criteria: Invitae Variant Classification Sherloc (09022015). Collection method: clinical testing. Allele origin: germline.
Comment: This sequence change replaces threonine, which is neutral and polar, with asparagine, which is neutral and polar, at codon 1961 of the NF1 protein (p.Thr1961Asn). This variant is present in population databases (no rsID available, gnomAD 0.0009%). This variant has not been reported in the literature in individuals affected with NF1-related conditions. ClinVar contains an entry for this variant (Variation ID: 1515415). Invitae Evidence Modeling of protein sequence and biophysical properties (such as structural, functional, and spatial information, amino acid conservation, physicochemical variation, residue mobility, and thermodynamic stability) indicates that this missense variant is expected to disrupt NF1 protein function with a positive predictive value of 95%. In summary, the available evidence is currently insufficient to determine the role of this variant in disease. Therefore, it has been classified as a Variant of Uncertain Significance.

Fulgent Genetics
Classification: Uncertain significance for Neurofibromatosis, type 1; Neurofibromatosis, familial spinal; Café-au-lait macules with pulmonary stenosis; Neurofibromatosis-Noonan syndrome; Juvenile myelomonocytic leukemia. Last evaluated: 2024-05-14. Review status: criteria provided, single submitter. Criteria: ACMG Guidelines, 2015. Collection method: clinical testing. Allele origin: germline.